The following is an entry in ClinVar:

NM_001032386.2(SUOX):c.719del (p.Gly240fs)

Gene: SUOX (sulfite oxidase; plus strand). Cytogenetic location: 12q13.2.
Variant type: Deletion.
Coding change: c.719del on transcript NM_001032386.2 (MANE Select); coding-DNA position 719, one base deleted (G; older notation c.719delG).
Protein change: p.Gly240fs; shifts the reading frame from glycine 240.
Molecular consequence: frameshift variant.
Genome position (GRCh38, 1-based): chr12:56,004,108, G deleted; the last of 5 consecutive G bases (chr12:56,004,104-56,004,108); deleting any one gives the same sequence. VCF-style (leftmost placement, unchanged base first): chr12-56004103-TG-T. GRCh37 (hg19) VCF-style: chr12-56397887-TG-T.
Other names: c.719del, p.Gly240fs (NM_000456.3, NM_001032387.2); short protein forms G240fs.
Identifiers: ClinVar variation 2858449 (VCV002858449.3), dbSNP rs1446408066, ClinGen allele CA690167650.

ClinVar aggregate classification (germline): Pathogenic (1 of 4 stars; one submission).

Conditions:
Sulfite oxidase deficiency. Also called: Isolated sulfite oxidase deficiency. Identifiers: Orphanet 833, Orphanet 99731, MedGen C0268624, MONDO:0010089, OMIM 272300, HP:0003643.

Submission:

Labcorp Genetics (formerly Invitae), Labcorp
Classification: Pathogenic for Sulfite oxidase deficiency. Last evaluated: 2023-04-25. Review status: criteria provided, single submitter. Criteria: Invitae Variant Classification Sherloc (09022015). Collection method: clinical testing. Allele origin: germline.
Comment: For these reasons, this variant has been classified as Pathogenic. This variant disrupts a region of the SUOX protein in which other variant(s) (p.Arg529*) have been determined to be pathogenic (PMID: 17940249, 28980090). This suggests that this is a clinically significant region of the protein, and that variants that disrupt it are likely to be disease-causing. This variant has not been reported in the literature in individuals affected with SUOX-related conditions. This variant is not present in population databases (gnomAD no frequency). This sequence change creates a premature translational stop signal (p.Gly240Valfs*33) in the SUOX gene. While this is not anticipated to result in nonsense mediated decay, it is expected to disrupt the last 306 amino acid(s) of the SUOX protein.

Literature cited by the submitters: PubMed 17940249; PubMed 28980090.